The following is an entry in ClinVar:

ClinVar aggregate classification (germline): Likely benign. Review status: criteria provided, multiple submitters, no conflicts (2 of 4 stars). 3 submissions from 3 submitters: Likely benign (2). 1 of the submissions does not count toward it. Last evaluated 2024-11-25.

Conditions:
DNAH17-related disorder. Also called: DNAH17-related condition.

Allele frequency attached by ClinVar (database versions not stated): 1000 Genomes Project 30x 0.00031; 1000 Genomes Project 0.00040; ExAC 0.00102; ESP Exome Variant Server 0.00146; gnomAD exomes 0.00150.
gnomAD v4.1: 2,308 of 1,613,956 alleles (0.14%); highest among the groups gnomAD compares: Non-Finnish European, 0.18%; 2 homozygotes.

Submissions (3):

Blueprint Genetics
Classification: Likely benign. Last evaluated: 2024-11-25. Review status: criteria provided, single submitter. Criteria: ACMG Guidelines, 2015. Collection method: clinical testing. Allele origin: germline.

CeGaT Center for Human Genetics Tuebingen
Classification: Likely benign. Last evaluated: 2023-10-01. Review status: criteria provided, single submitter. Criteria: CeGaT Center For Human Genetics Tuebingen Variant Classification Criteria Version 2. Collection method: clinical testing. Allele origin: germline. Affected: yes. Observed: 1 variant allele.
Comment: DNAH17: BP4, BP7

PreventionGenetics, part of Exact Sciences
Classification: Likely benign for DNAH17-related condition. Last evaluated: 2019-04-04. Review status: no assertion criteria provided. Collection method: clinical testing. Allele origin: germline. Not counted in ClinVar's aggregate classification.
Comment: This variant is classified as likely benign based on ACMG/AMP sequence variant interpretation guidelines (Richards et al. 2015 PMID: 25741868, with internal and published modifications).

NM_173628.4(DNAH17):c.9861C>T (p.Ala3287=)

Gene: DNAH17 (dynein axonemal heavy chain 17; minus strand). Cytogenetic location: 17q25.3.
Variant type: single nucleotide variant.
Coding change: c.9861C>T on transcript NM_173628.4 (MANE Select); coding-DNA position 9861, C replaced by T.
Protein change: p.Ala3287=; no amino-acid change (alanine 3287 retained).
Molecular consequence: synonymous variant.
Genome position (GRCh38, 1-based): chr17:78,459,001, G>A on the plus strand (C>T on the coding strand, the complement: DNAH17 is on the minus strand). VCF-style: chr17-78459001-G-A. GRCh37 (hg19) VCF-style: chr17-76455083-G-A.
Other names: c.9861C>T (NM_173628.3).
Identifiers: ClinVar variation 2648356 (VCV002648356.26), dbSNP rs140856549, ClinGen allele CA8801131.